The following is an entry in ClinVar:

ClinVar aggregate classification (germline): Uncertain significance (0 of 4 stars; one submission).

Conditions:
USP48-related condition.

gnomAD v4.1: 6 of 1,612,930 alleles (0.00037%); highest among the groups gnomAD compares: Non-Finnish European, 0.00051%; no homozygotes.

Submission:

PreventionGenetics, part of Exact Sciences
Classification: Uncertain significance for USP48-related condition. Last evaluated: 2024-08-05. Review status: no assertion criteria provided. Collection method: clinical testing. Allele origin: germline.
Comment: The USP48 c.3022A>G variant is predicted to result in the amino acid substitution p.Ile1008Val. To our knowledge, this variant has not been reported in the literature or in a large population database, indicating this variant is rare. At this time, the clinical significance of this variant is uncertain due to the absence of conclusive functional and genetic evidence.

NM_032236.8(USP48):c.3022A>G (p.Ile1008Val)

Gene: USP48 (ubiquitin specific peptidase 48; minus strand). Cytogenetic location: 1p36.12.
Variant type: single nucleotide variant.
Coding change: c.3022A>G on transcript NM_032236.8 (MANE Select); coding-DNA position 3022, A replaced by G.
Protein change: p.Ile1008Val; replaces isoleucine 1008 with valine.
Molecular consequence: missense variant.
Genome position (GRCh38, 1-based): chr1:21,687,227, T>C on the plus strand (A>G on the coding strand, the complement: USP48 is on the minus strand). VCF-style: chr1-21687227-T-C. GRCh37 (hg19) VCF-style: chr1-22013720-T-C.
Other names: c.2866A>G, p.Ile956Val (NM_001330394.3); c.2821A>G, p.Ile941Val (NM_001350164.2); c.3016A>G, p.Ile1006Val (NM_001350166.2); c.3019A>G, p.Ile1007Val (NM_001350167.2, NM_001350168.2); short protein forms I1006V, I1007V, I1008V, I941V, I956V.
Identifiers: ClinVar variation 3353265 (VCV003353265.1).